The following is an entry in ClinVar:

NM_001127392.3(MYRF):c.3091del (p.Gln1031fs)

Gene: MYRF (myelin regulatory factor; plus strand). Cytogenetic location: 11q12.2.
Variant type: Deletion.
Coding change: c.3091del on transcript NM_001127392.3 (MANE Select); coding-DNA position 3091, one base deleted (C; older notation c.3091delC).
Protein change: p.Gln1031fs; shifts the reading frame from glutamine 1031.
Molecular consequence: frameshift variant.
Genome position (GRCh38, 1-based): chr11:61,783,572, C deleted; the last of 3 consecutive C bases (chr11:61,783,570-61,783,572); deleting any one gives the same sequence. VCF-style (leftmost placement, unchanged base first): chr11-61783569-TC-T. GRCh37 (hg19) VCF-style: chr11-61551041-TC-T.
Other names: c.2971del, p.Gln991fs (NM_013279.4); short protein forms Q1031fs, Q991fs.
Identifiers: ClinVar variation 4072342 (VCV004072342.1).
Genomic context (GRCh38, chr11:61,783,569, plus strand): 5'-GCAGAGCCAGTGCCCTCCCTGACCTCCATCCAGGTGCTGGAGAATTCGATGTCCATCACC[TC>T]CCAGTACTGTGCTCCAGGGGATGCCTGCAGGTGGGCTGGGCTCCCTCCCCTCACCCAGGG-3'

ClinVar aggregate classification (germline): Pathogenic (1 of 4 stars; one submission).

Conditions:
Cardiac-urogenital syndrome (CUGS). Also called: MYRF-Related Cardiac Urogenital Syndrome. Identifiers: Orphanet 647811, MedGen C4748946, MONDO:0032653, OMIM 618280.

Submission:

MVZ Martinsried, Medicover Genetics
Classification: Pathogenic for Cardiac-urogenital syndrome. Last evaluated: 2025-07-03. Review status: criteria provided, single submitter. Criteria: ACGS Guidelines, 2020. Collection method: clinical testing. Allele origin: de novo. Affected: yes. Observed: 1 heterozygote.
Comment: PVS1, PS2_Supporting, PM2_Supporting